The following is an entry in ClinVar:

Conditions:
Arteriohepatic dysplasia. Also called: Alagille Syndrome. Identifiers: Orphanet 52, MedGen C0085280, MeSH D016738, MONDO:0007318.

Submission:

Gilbert/Spinner Lab, Children's Hospital of Philadelphia
No classification provided (evidence only). Condition: Alagille syndrome. Review status: no classification provided. Collection method: research. Allele origin: not applicable. Functional consequence: functionally_abnormal.
ClinVar note: "not provided" was previously submitted as the classification for the variant. However, the classification appeared to be based only on an observation of functional data so it was converted to no classification on 2025-07-30.

NM_000214.3(JAG1):c.39C>G (p.Pro13=)

Gene: JAG1 (jagged canonical Notch ligand 1; minus strand). Cytogenetic location: 20p12.2.
Variant type: single nucleotide variant.
Coding change: c.39C>G on transcript NM_000214.3 (MANE Select); coding-DNA position 39, C replaced by G.
Protein change: p.Pro13=; no amino-acid change (proline 13 retained).
Molecular consequence: synonymous variant.
Genome position (GRCh38, 1-based): chr20:10,673,492, G>C on the plus strand (C>G on the coding strand, the complement: JAG1 is on the minus strand). VCF-style: chr20-10673492-G-C. GRCh37 (hg19) VCF-style: chr20-10654140-G-C.
Identifiers: ClinVar variation 3573415 (VCV003573415.2).